The following is an entry in ClinVar:

ClinVar aggregate classification (germline): Uncertain significance (1 of 4 stars; one submission).

Conditions:
Hereditary cancer-predisposing syndrome. Also called: Neoplastic Syndromes, Hereditary; Tumor predisposition; Hereditary Cancer Syndrome; Hereditary neoplastic syndrome. Identifiers: Orphanet 140162, MedGen C0027672, MeSH D009386, MONDO:0015356.

Submission:

Ambry Genetics
Classification: Uncertain significance for Hereditary cancer-predisposing syndrome. Last evaluated: 2026-06-12. Review status: criteria provided, single submitter. Criteria: Ambry Variant Classification Scheme 2023. Collection method: clinical testing. Allele origin: germline.
Comment: The p.R46T variant (also known as c.137G>C), located in coding exon 1 of the TSC2 gene, results from a G to C substitution at nucleotide position 137. The arginine at codon 46 is replaced by threonine, an amino acid with similar properties. This amino acid position is not well conserved in available vertebrate species. In addition, this alteration is predicted to be tolerated by in silico analysis. Based on the available evidence, the clinical significance of this variant remains unclear.

NM_000548.5(TSC2):c.137G>C (p.Arg46Thr)

Gene: TSC2 (TSC complex subunit 2; plus strand). Cytogenetic location: 16p13.3.
Variant type: single nucleotide variant.
Coding change: c.137G>C on transcript NM_000548.5 (MANE Select); coding-DNA position 137, G replaced by C.
Protein change: p.Arg46Thr; replaces arginine 46 with threonine.
Molecular consequence: missense variant. On other transcripts: 5 prime UTR variant (19), non-coding transcript variant (5), intron variant (6).
Genome position (GRCh38, 1-based): chr16:2,048,752, G>C. VCF-style: chr16-2048752-G-C. GRCh37 (hg19) VCF-style: chr16-2098753-G-C.
Other names: c.137G>C, p.Arg46Thr (NM_001077183.3, NM_001114382.3, NM_001318827.2 and 13 more transcripts); c.-90G>C (NM_001318831.2, NM_001406682.1, NM_001406684.1 and 2 more transcripts); c.170G>C, p.Arg57Thr (NM_001318832.2); c.-680G>C (NM_001406680.1, NM_001406683.1, NM_001406687.1); c.-309G>C (NM_001406681.1); c.-1295G>C (NM_001406689.1, NM_001406690.1, NM_001406691.1 and 2 more transcripts); c.-1601G>C (NM_001406693.1); c.-1176G>C (NM_001406694.1, NM_001406695.1); and 4 more; short protein forms R46T, R57T.
Identifiers: ClinVar variation 4866140 (VCV004866140.1).